The following is an entry in ClinVar:

NM_001918.5(DBT):c.441del (p.Glu148fs)

Gene: DBT (dihydrolipoamide branched chain transacylase E2; minus strand). Cytogenetic location: 1p21.2.
Variant type: Deletion.
Coding change: c.441del on transcript NM_001918.5 (MANE Select); coding-DNA position 441, one base deleted (A; older notation c.441delA).
Protein change: p.Glu148fs; shifts the reading frame from glutamic acid 148.
Molecular consequence: frameshift variant. On other transcripts: 5 prime UTR variant (2), non-coding transcript variant (4).
Genome position (GRCh38, 1-based): chr1:100,218,740, T deleted on the plus strand (A on the coding strand, the reverse complement: DBT is on the minus strand); the first of 2 consecutive T bases (chr1:100,218,740-100,218,741); deleting either gives the same sequence. VCF-style (leftmost placement, unchanged base first): chr1-100218739-CT-C. GRCh37 (hg19) VCF-style: chr1-100684295-CT-C.
Other names: c.-103del (NM_001399969.1, NM_001399972.1); short protein forms E148fs.
Identifiers: ClinVar variation 5014661 (VCV005014661.1).

ClinVar aggregate classification (germline): Pathogenic (1 of 4 stars; one submission).

Conditions:
Maple syrup urine disease type 2 (MSUD2). Also called: Maple syrup urine disease, type II. Identifiers: MedGen C1855371, MONDO:0023693, OMIM 620699.

Submission:

Myriad Genetics, Inc.
Classification: Pathogenic for Maple syrup urine disease type 2. Last evaluated: 2025-06-30. Review status: criteria provided, single submitter. Criteria: Myriad Autosomal Dominant, Autosomal Recessive and X-Linked Classification Criteria (2023). Collection method: clinical testing. Allele origin: unknown.
Comment: NM_001918.3(DBT):c.441delA(E148Kfs*19) is expected to be pathogenic in the context of maple syrup urine disease type II. This variant is predicted to lead to an abnormal or absent protein product due to the creation of a premature termination codon in DBT, a gene where loss-of-function variants are known to be pathogenic. Please note: this variant was assessed in the context of healthy population screening.